The following is an entry in ClinVar:

NM_004963.4(GUCY2C):c.2943T>G (p.Tyr981Ter)

Genes: GUCY2C (guanylate cyclase 2C; minus strand), PLBD1-AS1 (PLBD1 antisense RNA 1; plus strand). Cytogenetic location: 12p12.3.
Variant type: single nucleotide variant.
Coding change: c.2943T>G on transcript NM_004963.4 (MANE Select); coding-DNA position 2943, T replaced by G.
Protein change: p.Tyr981Ter; replaces tyrosine 981 with a stop codon.
Molecular consequence: nonsense.
Genome position (GRCh38, 1-based): chr12:14,616,660, A>C on the plus strand (T>G on the coding strand, the complement: GUCY2C is on the minus strand). VCF-style: chr12-14616660-A-C. GRCh37 (hg19) VCF-style: chr12-14769594-A-C.
Other names: short protein forms Y981*.
Identifiers: ClinVar variation 1366583 (VCV001366583.6), dbSNP rs1439101345, ClinGen allele CA383991266.

ClinVar aggregate classification (germline): Uncertain significance (1 of 4 stars; one submission).

Allele frequency attached by ClinVar (database versions not stated): gnomAD exomes below 0.00001; gnomAD 0.00001.
gnomAD v4.1: 16 of 1,599,618 alleles (0.001%); highest among the groups gnomAD compares: Non-Finnish European, 0.0014%; no homozygotes.

Submission:

Labcorp Genetics (formerly Invitae), Labcorp
Classification: Uncertain significance. Last evaluated: 2024-01-06. Review status: criteria provided, single submitter. Criteria: Invitae Variant Classification Sherloc (09022015). Collection method: clinical testing. Allele origin: germline.
Comment: This sequence change creates a premature translational stop signal (p.Tyr981*) in the GUCY2C gene. It is expected to result in an absent or disrupted protein product. However, the current clinical and genetic evidence is not sufficient to establish whether loss-of-function variants in GUCY2C cause disease. This variant is present in population databases (no rsID available, gnomAD 0.0009%). This variant has not been reported in the literature in individuals affected with GUCY2C-related conditions. ClinVar contains an entry for this variant (Variation ID: 1366583). Algorithms developed to predict the effect of sequence changes on RNA splicing suggest that this variant may disrupt the consensus splice site. In summary, the available evidence is currently insufficient to determine the role of this variant in disease. Therefore, it has been classified as a Variant of Uncertain Significance.